The following is an entry in ClinVar:

NM_001113378.2(FANCI):c.1564C>T (p.Arg522Trp)

Gene: FANCI (FA complementation group I; plus strand). Cytogenetic location: 15q26.1.
Variant type: single nucleotide variant.
Coding change: c.1564C>T on transcript NM_001113378.2 (MANE Select); coding-DNA position 1564, C replaced by T.
Protein change: p.Arg522Trp; replaces arginine 522 with tryptophan.
Molecular consequence: missense variant.
Genome position (GRCh38, 1-based): chr15:89,281,816, C>T. VCF-style: chr15-89281816-C-T. GRCh37 (hg19) VCF-style: chr15-89825047-C-T.
Other names: c.1285C>T, p.Arg429Trp (NM_001376910.1); c.1564C>T, p.Arg522Trp (NM_001376911.1, NM_018193.3); short protein forms R522W, R429W.
Identifiers: ClinVar variation 408244 (VCV000408244.11), dbSNP rs371568506, ClinGen allele CA7723056.

ClinVar aggregate classification (germline): Uncertain significance. Review status: criteria provided, multiple submitters, no conflicts (2 of 4 stars). 3 submissions from 3 submitters: Uncertain significance (3). Last evaluated 2024-03-27.

Conditions:
Fanconi anemia (FA). Also called: Fanconi's anemia. Identifiers: Orphanet 84, MedGen C0015625, MeSH D005199, MONDO:0019391.
Fanconi anemia complementation group I (FANCI). Also called: FANCI-Related Fanconi Anemia. Identifiers: Orphanet 84, MedGen C1836861, MONDO:0012186, OMIM 609053.

Allele frequency attached by ClinVar (database versions not stated): gnomAD exomes 0.00001; ExAC 0.00002; gnomAD 0.00004 and 0.00005; TOPMed 0.00006; ESP Exome Variant Server 0.00015.
gnomAD v4.1: 27 of 1,613,702 alleles (0.0017%); highest among the groups gnomAD compares: African/African-American, 0.0027%; no homozygotes.

Submissions (3):

Fulgent Genetics
Classification: Uncertain significance for Fanconi anemia complementation group I. Last evaluated: 2024-03-27. Review status: criteria provided, single submitter. Criteria: ACMG Guidelines, 2015. Collection method: clinical testing. Allele origin: germline.

Labcorp Genetics (formerly Invitae), Labcorp
Classification: Uncertain significance for Fanconi anemia. Last evaluated: 2022-05-17. Review status: criteria provided, single submitter. Criteria: Invitae Variant Classification Sherloc (09022015). Collection method: clinical testing. Allele origin: germline.
Comment: This sequence change replaces arginine, which is basic and polar, with tryptophan, which is neutral and slightly polar, at codon 522 of the FANCI protein (p.Arg522Trp). This variant is present in population databases (rs371568506, gnomAD 0.007%). This variant has not been reported in the literature in individuals affected with FANCI-related conditions. ClinVar contains an entry for this variant (Variation ID: 408244). Algorithms developed to predict the effect of missense changes on protein structure and function are either unavailable or do not agree on the potential impact of this missense change (SIFT: "Deleterious"; PolyPhen-2: "Probably Damaging"; Align-GVGD: "Class C0"). Algorithms developed to predict the effect of sequence changes on RNA splicing suggest that this variant may disrupt the consensus splice site. In summary, the available evidence is currently insufficient to determine the role of this variant in disease. Therefore, it has been classified as a Variant of Uncertain Significance.

Sema4
Classification: Uncertain significance for Fanconi anemia. Last evaluated: 2022-01-09. Review status: criteria provided, single submitter. Criteria: Sema4 Curation Guidelines. Collection method: curation. Allele origin: germline.
Comment: The FANCI c.1564C>T (p.R522W) variant has not been reported in the literature to our knowledge. It was observed in 1/16254 chromosomes of the African/African American subpopulation in the large and broad cohorts of the Genome Aggregation Database (PMID: 32461654). The variant has been reported in ClinVar (Variation ID 408244). In silico tools suggest the impact of the variant on protein function is deleterious, though these predictions have not been confirmed by functional studies. The evidence is insufficient to meet ACMG/AMP criteria for classifying the variant as benign or pathogenic. Thus, the clinical significance of this variant is currently uncertain.